The following is an entry in ClinVar:

NM_203475.3(PORCN):c.528C>G (p.Tyr176Ter)

Gene: PORCN (porcupine O-acyltransferase; plus strand). Cytogenetic location: Xp11.23.
Variant type: single nucleotide variant.
Coding change: c.528C>G on transcript NM_203475.3 (MANE Select); coding-DNA position 528, C replaced by G.
Protein change: p.Tyr176Ter; replaces tyrosine 176 with a stop codon.
Molecular consequence: nonsense. On other transcripts: non-coding transcript variant (2).
Genome position (GRCh38, 1-based): chrX:48,512,480, C>G. VCF-style: chrX-48512480-C-G. GRCh37 (hg19) VCF-style: chrX-48370868-C-G.
Other names: c.315C>G, p.Tyr105Ter (NM_001282167.2); c.867C>G, p.Tyr289Ter (NM_001441333.1, NM_001441334.1); c.633C>G, p.Tyr211Ter (NM_001441335.1); c.720C>G, p.Tyr240Ter (NM_001441336.1); c.528C>G, p.Tyr176Ter (NM_022825.4, NM_203473.3, NM_203474.1); short protein forms Y105*, Y176*, Y211*, Y240*, Y289*.
Identifiers: ClinVar variation 4845272 (VCV004845272.1).

ClinVar aggregate classification (germline): Likely pathogenic (1 of 4 stars; one submission).

Conditions:
Focal dermal hypoplasia (FDH). Also called: Goltz syndrome. Identifiers: Orphanet 2092, MedGen C0016395, MONDO:0010592, OMIM 305600.

Submission:

Kasturba Medical College, Manipal, Kasturba Medical College, Manipal, Manipal Academy of Higher Education, Manipal, India
Classification: Likely pathogenic for Focal dermal hypoplasia. Last evaluated: 2026-04-23. Review status: criteria provided, single submitter. Criteria: ACMG Guidelines, 2015. Collection method: research. Allele origin: de novo. Inheritance: X-linked dominant inheritance. Affected: yes. Observed: 1 variant allele, 1 heterozygote.
Comment: This variant is absent in heterozygous and/or homozygous state in gnomAD (v4.1.0) population database and in our in-house exome data of 4019 individuals.